The following is an entry in ClinVar:

NM_000098.3(CPT2):c.1838G>C (p.Gly613Ala)

Gene: CPT2 (carnitine palmitoyltransferase 2; plus strand). Cytogenetic location: 1p32.3.
Variant type: single nucleotide variant.
Coding change: c.1838G>C on transcript NM_000098.3 (MANE Select); coding-DNA position 1838, G replaced by C.
Protein change: p.Gly613Ala; replaces glycine 613 with alanine.
Molecular consequence: missense variant.
Genome position (GRCh38, 1-based): chr1:53,213,456, G>C. VCF-style: chr1-53213456-G-C. GRCh37 (hg19) VCF-style: chr1-53679128-G-C.
Other names: c.1769G>C, p.Gly590Ala (NM_001330589.2); short protein forms G613A, G590A.
Identifiers: ClinVar variation 1436095 (VCV001436095.3), dbSNP rs1270645489, ClinGen allele CA340397755.

ClinVar aggregate classification (germline): Uncertain significance (1 of 4 stars; one submission).

Conditions:
Carnitine palmitoyltransferase II deficiency. Also called: Carnitine Palmitoyltransferase 2 Deficiency. Identifiers: Orphanet 157, MedGen C0342790, MONDO:0015515.

gnomAD v4.1: 4 of 1,614,214 alleles (0.00025%); no homozygotes.

Submission:

Labcorp Genetics (formerly Invitae), Labcorp
Classification: Uncertain significance for Carnitine palmitoyltransferase II deficiency. Last evaluated: 2021-11-25. Review status: criteria provided, single submitter. Criteria: Invitae Variant Classification Sherloc (09022015). Collection method: clinical testing. Allele origin: germline.
Comment: This sequence change replaces glycine, which is neutral and non-polar, with alanine, which is neutral and non-polar, at codon 613 of the CPT2 protein (p.Gly613Ala). This variant is not present in population databases (gnomAD no frequency). This variant has not been reported in the literature in individuals affected with CPT2-related conditions. Advanced modeling of protein sequence and biophysical properties (such as structural, functional, and spatial information, amino acid conservation, physicochemical variation, residue mobility, and thermodynamic stability) performed at Invitae indicates that this missense variant is not expected to disrupt CPT2 protein function. In summary, the available evidence is currently insufficient to determine the role of this variant in disease. Therefore, it has been classified as a Variant of Uncertain Significance.